The following is an entry in ClinVar:

ClinVar aggregate classification (germline): Uncertain significance. Review status: criteria provided, multiple submitters, no conflicts (2 of 4 stars). 2 submissions from 2 submitters: Uncertain significance (2). Last evaluated 2025-07-08.

Conditions:
Hereditary cancer-predisposing syndrome. Also called: Neoplastic Syndromes, Hereditary; Hereditary Cancer Syndrome; Hereditary neoplastic syndrome; Tumor predisposition. Identifiers: Orphanet 140162, MedGen C0027672, MeSH D009386, MONDO:0015356.
Hereditary breast ovarian cancer syndrome. Also called: Hereditary breast and ovarian cancer syndrome (HBOC); Hereditary breast and ovarian cancer syndrome; Breast and ovarian cancer; Hereditary breast and/or ovarian cancer syndrome; Hereditary breast and ovarian cancer; BRCA1- and BRCA2-Associated Hereditary Breast and Ovarian Cancer. Identifiers: Orphanet 145, MedGen C0677776, MeSH D061325, MONDO:0003582. Disease mechanism: loss of function.

Allele frequency attached by ClinVar (database versions not stated): gnomAD exomes below 0.00001.
gnomAD v4.1: 2 of 1,613,696 alleles (0.00012%); highest among the groups gnomAD compares: Non-Finnish European, 0.00017%; 1 homozygote.

Submissions (2):

Labcorp Genetics (formerly Invitae), Labcorp
Classification: Uncertain significance for Hereditary breast ovarian cancer syndrome. Last evaluated: 2025-07-08. Review status: criteria provided, single submitter. Criteria: Invitae Variant Classification Sherloc (09022015). Collection method: clinical testing. Allele origin: germline.
Comment: This sequence change replaces arginine, which is basic and polar, with lysine, which is basic and polar, at codon 2927 of the BRCA2 protein (p.Arg2927Lys). This variant is not present in population databases (gnomAD no frequency). This variant has not been reported in the literature in individuals affected with BRCA2-related conditions. ClinVar contains an entry for this variant (Variation ID: 462498). Invitae Evidence Modeling of protein sequence and biophysical properties (such as structural, functional, and spatial information, amino acid conservation, physicochemical variation, residue mobility, and thermodynamic stability) indicates that this missense variant is not expected to disrupt BRCA2 protein function with a negative predictive value of 95%. In summary, the available evidence is currently insufficient to determine the role of this variant in disease. Therefore, it has been classified as a Variant of Uncertain Significance.

Ambry Genetics
Classification: Uncertain significance for Hereditary cancer-predisposing syndrome. Last evaluated: 2018-10-12. Review status: criteria provided, single submitter. Criteria: Ambry Variant Classification Scheme 2023. Collection method: clinical testing. Allele origin: germline.
Comment: The p.R2927K variant (also known as c.8780G>A), located in coding exon 21 of the BRCA2 gene, results from a G to A substitution at nucleotide position 8780. The arginine at codon 2927 is replaced by lysine, an amino acid with highly similar properties. This amino acid position is not well conserved in available vertebrate species. In addition, this alteration is predicted to be tolerated by in silico analysis. Since supporting evidence is limited at this time, the clinical significance of this alteration remains unclear.

NM_000059.4(BRCA2):c.8780G>A (p.Arg2927Lys)

Gene: BRCA2 (BRCA2 DNA repair associated; plus strand). Cytogenetic location: 13q13.1.
Variant type: single nucleotide variant.
Coding change: c.8780G>A on transcript NM_000059.4 (MANE Select); coding-DNA position 8780, G replaced by A.
Protein change: p.Arg2927Lys; replaces arginine 2927 with lysine.
Molecular consequence: missense variant.
Genome position (GRCh38, 1-based): chr13:32,379,342, G>A. VCF-style: chr13-32379342-G-A. GRCh37 (hg19) VCF-style: chr13-32953479-G-A.
Other names: short protein forms R2927K.
Identifiers: ClinVar variation 462498 (VCV000462498.14), dbSNP rs1555288372, ClinGen allele CA387755848.
Genomic context (GRCh38, chr13:32,379,342, plus strand): 5'-ATTGCTTTTTATTCCAATATCTTAAATGGTCACAGGGTTATTTCAGTGAAGAGCAGTTAA[G>A]AGCCTTGAATAATCACAGGCAAATGTTGAATGATAAGAAACAAGCTCAGATCCAGTTGGA-3'
Protein context (NP_000050.3, residues 2917-2937): LEGYFSEEQL[Arg2927Lys]ALNNHRQMLN